The following is an entry in ClinVar:

NM_201384.3(PLEC):c.4585C>T (p.Arg1529Cys)

Gene: PLEC (plectin; minus strand). Cytogenetic location: 8q24.3.
Variant type: single nucleotide variant.
Coding change: c.4585C>T on transcript NM_201384.3 (MANE Select); coding-DNA position 4585, C replaced by T.
Protein change: p.Arg1529Cys; replaces arginine 1529 with cysteine.
Molecular consequence: missense variant.
Genome position (GRCh38, 1-based): chr8:143,925,344, G>A on the plus strand (C>T on the coding strand, the complement: PLEC is on the minus strand). VCF-style: chr8-143925344-G-A. GRCh37 (hg19) VCF-style: chr8-144999512-G-A.
Other names: c.4666C>T, p.Arg1556Cys (NM_000445.5); c.4543C>T, p.Arg1515Cys (NM_201378.4); c.4519C>T, p.Arg1507Cys (NM_201379.3); c.4996C>T, p.Arg1666Cys (NM_201380.4); c.4489C>T, p.Arg1497Cys (NM_201381.3); c.4585C>T, p.Arg1529Cys (NM_201382.4); c.4597C>T, p.Arg1533Cys (NM_201383.3); short protein forms R1515C, R1529C, R1533C, R1666C, R1497C, R1507C, R1556C.
Identifiers: ClinVar variation 568541 (VCV000568541.8), dbSNP rs781877289, ClinGen allele CA4926608.
Genomic context (GRCh38, chr8:143,925,344, plus strand): 5'-CCGCCTCCTCCGCCTGCAGCCGCAGCTCCTCCAGGGCCTGCAGGGCCCGCTGCTTCTCGC[G>A]CGCCGCCTCGGCCTCGGCCTTCACGCGCGAGGCCAGCTCCACCTCCGCCTGCCGCTTACG-3'
Protein context (NP_958786.1, residues 1519-1539): SRVKAEAEAA[Arg1529Cys]EKQRALQALE

ClinVar aggregate classification (germline): Uncertain significance. Review status: criteria provided, multiple submitters, no conflicts (2 of 4 stars). 2 submissions from 2 submitters: Uncertain significance (2). Last evaluated 2025-01-31.

Conditions:
Epidermolysis bullosa simplex, Ogna type (EBS5A). Also called: Pidermolysis bullosa simplex 5A, Ogna type; EPIDERMOLYSIS BULLOSA SIMPLEX 5A, OGNA TYPE. Identifiers: Orphanet 79401, MedGen C0432317, MONDO:0007555, OMIM 131950.
Autosomal recessive limb-girdle muscular dystrophy type 2Q (LGMDR17). Also called: MUSCULAR DYSTROPHY, LIMB-GIRDLE, AUTOSOMAL RECESSIVE 17. Identifiers: Orphanet 254361, MedGen C3150989, MONDO:0013390, OMIM 613723.
Epidermolysis bullosa simplex 5C, with pyloric atresia (EBS5C). Also called: PLEC-Related Epidermolysis Bullosa with Pyloric Atresia; Epidermolysis bullosa simplex with pyloric atresia; PLEC1-Related Epidermolysis Bullosa with Pyloric Atresia. Identifiers: Orphanet 158684, MedGen C2677349, MONDO:0012807, OMIM 612138.
Epidermolysis bullosa simplex 5B, with muscular dystrophy (EBS5B). Also called: EPIDERMOLYSIS BULLOSA SIMPLEX AND LIMB-GIRDLE MUSCULAR DYSTROPHY; Epidermolysis bullosa simplex with muscular dystrophy. Identifiers: Orphanet 257, MedGen C2931072, MONDO:0009181, OMIM 226670.
Epidermolysis bullosa simplex with nail dystrophy (EBS5D). Identifiers: MedGen C4225309, MONDO:0014661, OMIM 616487.

Allele frequency attached by ClinVar (database versions not stated): gnomAD exomes 0.00002; ExAC 0.00003; TOPMed 0.00003; gnomAD 0.00004.
gnomAD v4.1: 37 of 1,550,994 alleles (0.0024%); highest among the groups gnomAD compares: African/African-American, 0.0041%; no homozygotes.

Submissions (2):

Labcorp Genetics (formerly Invitae), Labcorp
Classification: Uncertain significance for Autosomal recessive limb-girdle muscular dystrophy type 2Q; Epidermolysis bullosa simplex, Ogna type; Epidermolysis bullosa simplex with nail dystrophy; Epidermolysis bullosa simplex 5C, with pyloric atresia; Epidermolysis bullosa simplex 5B, with muscular dystrophy. Last evaluated: 2025-01-31. Review status: criteria provided, single submitter. Criteria: Invitae Variant Classification Sherloc (09022015). Collection method: clinical testing. Allele origin: germline.
Comment: This sequence change replaces arginine, which is basic and polar, with cysteine, which is neutral and slightly polar, at codon 1556 of the PLEC protein (p.Arg1556Cys). This variant is present in population databases (rs781877289, gnomAD 0.008%). This variant has not been reported in the literature in individuals affected with PLEC-related conditions. ClinVar contains an entry for this variant (Variation ID: 568541). Experimental studies and prediction algorithms are not available or were not evaluated, and the functional significance of this variant is currently unknown. In summary, the available evidence is currently insufficient to determine the role of this variant in disease. Therefore, it has been classified as a Variant of Uncertain Significance.

Revvity Omics, Revvity
Classification: Uncertain significance. Last evaluated: 2024-05-27. Review status: criteria provided, single submitter. Criteria: ACMG Guidelines, 2015. Collection method: clinical testing. Allele origin: germline.